The following is an entry in ClinVar:

NM_001903.5(CTNNA1):c.106-4T>C

Gene: CTNNA1 (catenin alpha 1; plus strand). Cytogenetic location: 5q31.2.
Variant type: single nucleotide variant.
Coding change: c.106-4T>C on transcript NM_001903.5 (MANE Select); 4 bases into the intron before coding-DNA position 106, T replaced by C.
Molecular consequence: intron variant.
Genome position (GRCh38, 1-based): chr5:138,783,173, T>C. VCF-style: chr5-138783173-T-C. GRCh37 (hg19) VCF-style: chr5-138118862-T-C.
Other names: c.106-4T>C (NM_001323982.2, NM_001323984.2, NM_001290307.3 and 3 more transcripts); c.-101-4T>C (NM_001290310.3); c.-9+1144T>C (NM_001290309.3).
Identifiers: ClinVar variation 658405 (VCV000658405.11), dbSNP rs534196043, ClinGen allele CA915942586.

ClinVar aggregate classification (germline): Likely benign. Review status: criteria provided, multiple submitters, no conflicts (2 of 4 stars). 2 submissions from 2 submitters: Likely benign (2). Last evaluated 2024-10-09.

Conditions:
Hereditary diffuse gastric adenocarcinoma (HDGC). Also called: DIFFUSE GASTRIC AND LOBULAR BREAST CANCER SYNDROME. Identifiers: Orphanet 26106, MedGen C1708349, MONDO:0007648, OMIM 137215.

gnomAD v4.1: 2 of 1,566,790 alleles (0.00013%); highest among the groups gnomAD compares: Non-Finnish European, 0.00017%; no homozygotes.

Submissions (2):

Myriad Genetics, Inc.
Classification: Likely benign for Hereditary diffuse gastric adenocarcinoma. Last evaluated: 2024-10-09. Review status: criteria provided, single submitter. Criteria: Myriad Autosomal Dominant, Autosomal Recessive and X-Linked Classification Criteria (2023). Collection method: clinical testing. Allele origin: unknown.
Comment: This variant is considered likely benign. This variant is intronic and is not expected to impact mRNA splicing.

Labcorp Genetics (formerly Invitae), Labcorp
Classification: Likely benign. Last evaluated: 2024-03-11. Review status: criteria provided, single submitter. Criteria: Invitae Variant Classification Sherloc (09022015). Collection method: clinical testing. Allele origin: germline.